The following is an entry in ClinVar:

NM_021961.6(TEAD1):c.889A>G (p.Asn297Asp)

Gene: TEAD1 (TEA domain transcription factor 1; plus strand). Cytogenetic location: 11p15.3.
Variant type: single nucleotide variant.
Coding change: c.889A>G on transcript NM_021961.6 (MANE Select); coding-DNA position 889, A replaced by G.
Protein change: p.Asn297Asp; replaces asparagine 297 with aspartic acid.
Molecular consequence: missense variant.
Genome position (GRCh38, 1-based): chr11:12,924,927, A>G. VCF-style: chr11-12924927-A-G. GRCh37 (hg19) VCF-style: chr11-12946474-A-G.
Other names: c.889A>G (NM_021961.5); short protein forms N297D.
Identifiers: ClinVar variation 1433846 (VCV001433846.8), dbSNP rs1948881161, ClinGen allele CA379708154.

ClinVar aggregate classification (germline): Uncertain significance. Review status: criteria provided, multiple submitters, no conflicts (2 of 4 stars). 3 submissions from 3 submitters: Uncertain significance (3). Last evaluated 2025-08-13.

Conditions:
Inborn genetic diseases. Identifiers: MedGen C0950123, MeSH D030342.

Allele frequency attached by ClinVar (database versions not stated): gnomAD exomes below 0.00001; TOPMed below 0.00001; gnomAD 0.00001.
gnomAD v4.1: 8 of 1,614,084 alleles (0.0005%); highest among the groups gnomAD compares: Non-Finnish European, 0.00059%; no homozygotes.

Submissions (3):

Ambry Genetics
Classification: Uncertain significance for Inborn genetic diseases. Last evaluated: 2025-08-13. Review status: criteria provided, single submitter. Criteria: Ambry Variant Classification Scheme 2023. Collection method: clinical testing. Allele origin: germline.

Labcorp Genetics (formerly Invitae), Labcorp
Classification: Uncertain significance. Last evaluated: 2024-08-13. Review status: criteria provided, single submitter. Criteria: Invitae Variant Classification Sherloc (09022015). Collection method: clinical testing. Allele origin: germline.
Comment: This sequence change replaces asparagine, which is neutral and polar, with aspartic acid, which is acidic and polar, at codon 297 of the TEAD1 protein (p.Asn297Asp). This variant is not present in population databases (gnomAD no frequency). This variant has not been reported in the literature in individuals affected with TEAD1-related conditions. ClinVar contains an entry for this variant (Variation ID: 1433846). Advanced modeling of protein sequence and biophysical properties (such as structural, functional, and spatial information, amino acid conservation, physicochemical variation, residue mobility, and thermodynamic stability) performed at Invitae indicates that this missense variant is not expected to disrupt TEAD1 protein function with a negative predictive value of 80%. In summary, the available evidence is currently insufficient to determine the role of this variant in disease. Therefore, it has been classified as a Variant of Uncertain Significance.

Blueprint Genetics
Classification: Uncertain significance. Last evaluated: 2023-11-22. Review status: criteria provided, single submitter. Criteria: ACMG Guidelines, 2015. Collection method: clinical testing. Allele origin: germline.